The following is an entry in ClinVar:

ClinVar aggregate classification (germline): Likely benign. Review status: criteria provided, single submitter (1 of 4 stars). 2 submissions from 2 submitters: Likely benign (1). 1 of the submissions does not count toward it. Last evaluated 2023-10-02.

Conditions:
TMPRSS6-related disorder. Also called: TMPRSS6-related condition.

Submissions (2):

Blueprint Genetics
Classification: Likely benign. Last evaluated: 2023-10-02. Review status: criteria provided, single submitter. Criteria: ACMG Guidelines, 2015. Collection method: clinical testing. Allele origin: germline.

PreventionGenetics, part of Exact Sciences
Classification: Likely benign for TMPRSS6-related condition. Last evaluated: 2020-07-02. Review status: no assertion criteria provided. Collection method: clinical testing. Allele origin: germline. Not counted in ClinVar's aggregate classification.
Comment: This variant is classified as likely benign based on ACMG/AMP sequence variant interpretation guidelines (Richards et al. 2015 PMID: 25741868, with internal and published modifications).

NM_001374504.1(TMPRSS6):c.1842-31CCCCA[10]

Gene: TMPRSS6 (transmembrane serine protease 6; minus strand). Cytogenetic location: 22q12.3.
Variant type: Microsatellite.
Coding change: c.1842-31CCCCA[10] on transcript NM_001374504.1 (MANE Select); ten copies in a row of the 5-base unit CCCCA starting at c.1842-31; the reference has six copies in a row; four copies, 20 bases duplicated.
Molecular consequence: splice acceptor variant.
Genome position (GRCh38, 1-based): chr22:37,069,346-37,069,365, TGGGGTGGGGTGGGGTGGGG duplicated on the plus strand (CCCCACCCCACCCCACCCCA on the coding strand, the reverse complement: TMPRSS6 is on the minus strand); duplicating any 20 consecutive bases within chr22:37,069,346-37,069,377 gives the same sequence; the position shown is the placement nearest the transcript's 3' end. VCF-style (leftmost placement, unchanged base first): chr22-37069345-C-CTGGGGTGGGGTGGGGTGGGG. GRCh37 (hg19) VCF-style: chr22-37465385-C-CTGGGGTGGGGTGGGGTGGGG.
Other names: c.1842-31CCCCA[10] (NM_001289000.2, NM_001289001.2, NM_153609.4).
Identifiers: ClinVar variation 3054932 (VCV003054932.3), dbSNP rs60484081, ClinGen allele CA639393521.
Genomic context (GRCh38, chr22:37,069,345, plus strand): 5'-CAGCGCGAGTTCTGCCACACCTTGCCCAGGAACACGGTCCACAGCACCGTGGAGGCCATG[C>CTGGGGTGGGGTGGGGTGGGG]TGGGGTGGGGTGGGGTGGGGTGGGGTGGGGTGAGGTGAGGTGGGAGGAAGCTGCCTCTCC-3'